The following is an entry in ClinVar:

ClinVar aggregate classification (germline): Uncertain significance (1 of 4 stars; one submission).

Allele frequency attached by ClinVar (database versions not stated): gnomAD exomes below 0.00001.
gnomAD v4.1: 1 of 1,307,990 alleles (0.000076%); highest among the groups gnomAD compares: Non-Finnish European, 0.000097%; no homozygotes.

Submission:

Ambry Genetics
Classification: Uncertain significance. Last evaluated: 2022-07-25. Review status: criteria provided, single submitter. Criteria: Ambry Variant Classification Scheme 2023. Collection method: clinical testing. Allele origin: germline.
Comment: The p.K111R variant (also known as c.332A>G), located in coding exon 1 of the EGLN1 gene, results from an A to G substitution at nucleotide position 332. The lysine at codon 111 is replaced by arginine, an amino acid with highly similar properties. This amino acid position is conserved. In addition, this alteration is predicted to be tolerated by in silico analysis. Since supporting evidence is limited at this time, the clinical significance of this alteration remains unclear.

NM_022051.3(EGLN1):c.332A>G (p.Lys111Arg)

Gene: EGLN1 (egl-9 family hypoxia inducible factor 1; minus strand). Cytogenetic location: 1q42.2.
Variant type: single nucleotide variant.
Coding change: c.332A>G on transcript NM_022051.3 (MANE Select); coding-DNA position 332, A replaced by G.
Protein change: p.Lys111Arg; replaces lysine 111 with arginine.
Molecular consequence: missense variant.
Genome position (GRCh38, 1-based): chr1:231,421,557, T>C on the plus strand (A>G on the coding strand, the complement: EGLN1 is on the minus strand). VCF-style: chr1-231421557-T-C. GRCh37 (hg19) VCF-style: chr1-231557303-T-C.
Other names: c.332A>G, p.Lys111Arg (NM_001377260.1, NM_001377261.1); short protein forms K111R.
Identifiers: ClinVar variation 1730283 (VCV001730283.2), dbSNP rs2527360684, ClinGen allele CA345237656.